The following is an entry in ClinVar:

ClinVar aggregate classification (germline): Likely benign (0 of 4 stars; one submission).

Conditions:
Familial cancer of breast. Also called: BREAST CANCER, FAMILIAL; hereditary breast carcinoma; Hereditary breast cancer. Identifiers: Orphanet 227535, MedGen C0346153, MONDO:0016419, OMIM 114480. Disease mechanism: loss of function.

Allele frequency attached by ClinVar (database versions not stated): gnomAD exomes 0.00021; gnomAD 0.00191 and 0.00197; TOPMed 0.00221; 1000 Genomes Project 30x 0.00390; 1000 Genomes Project 0.00419.

Submission:

Leiden Open Variation Database
Classification: Likely benign for Familial cancer of breast. Last evaluated: 2019-05-13. Review status: no assertion criteria provided. Collection method: curation. Allele origin: germline. Affected: yes.
Comment: Curators: Marc Tischkowitz, Arleen D. Auerbach. Submitter to LOVD: Marc Tischkowitz.

Literature cited by the submitters: PubMed 19333784.

NM_024675.4(PALB2):c.2514+71del

Gene: PALB2 (partner and localizer of BRCA2; minus strand). Cytogenetic location: 16p12.2.
Variant type: Deletion.
Coding change: c.2514+71del on transcript NM_024675.4 (MANE Select); 71 bases into the intron after coding-DNA position 2514, one base deleted (C; older notation c.2514+71delC).
Molecular consequence: intron variant.
Genome position (GRCh38, 1-based): chr16:23,629,569, G deleted on the plus strand (C on the coding strand, the reverse complement: PALB2 is on the minus strand). VCF-style (leftmost placement, unchanged base first): chr16-23629568-AG-A. GRCh37 (hg19) VCF-style: chr16-23640889-AG-A.
Other names: NM_024675.3:c.2514+71del.
Identifiers: ClinVar variation 126656 (VCV000126656.3), dbSNP rs180177114, ClinGen allele CA269538.